The following is an entry in ClinVar:

NM_002485.5(NBN):c.1465C>G (p.Leu489Val)

Gene: NBN (nibrin; minus strand). Cytogenetic location: 8q21.3.
Variant type: single nucleotide variant.
Coding change: c.1465C>G on transcript NM_002485.5 (MANE Select); coding-DNA position 1465, C replaced by G.
Protein change: p.Leu489Val; replaces leucine 489 with valine.
Molecular consequence: missense variant.
Genome position (GRCh38, 1-based): chr8:89,953,624, G>C on the plus strand (C>G on the coding strand, the complement: NBN is on the minus strand). VCF-style: chr8-89953624-G-C. GRCh37 (hg19) VCF-style: chr8-90965852-G-C.
Other names: c.1219C>G, p.Leu407Val (NM_001024688.3); short protein forms L489V, L407V.
Identifiers: ClinVar variation 184816 (VCV000184816.29), dbSNP rs143948240, ClinGen allele CA190135.
Genomic context (GRCh38, chr8:89,953,624, plus strand): 5'-ATAGATGCTGCTCCTTATTTTTCCACAATGAGGGTGTAGCAGGTTGTGTTTGTTCTAAAA[G>C]AGAACAAGACGTTTCTATTCTTGCTGATTTGCATGAAGACATTTCTTGATTTTCTTCATC-3'
Protein context (NP_002476.2, residues 479-499): KSARIETSCS[Leu489Val]LEQTQPATPS

ClinVar aggregate classification (germline): Conflicting classifications of pathogenicity. Review status: criteria provided, conflicting classifications (1 of 4 stars). 8 submissions from 8 submitters: Uncertain significance (4); Likely benign (2). 2 of the submissions do not count toward it. Last evaluated 2026-01-27.

Conditions:
Hereditary cancer-predisposing syndrome. Also called: Tumor predisposition; Hereditary Cancer Syndrome; Hereditary neoplastic syndrome; Neoplastic Syndromes, Hereditary. Identifiers: Orphanet 140162, MedGen C0027672, MeSH D009386, MONDO:0015356.
Aplastic anemia. Identifiers: Orphanet 182040, Orphanet 88, MedGen C0002874, MONDO:0015909, OMIM 609135, HP:0001915.
Microcephaly, normal intelligence and immunodeficiency (NBS). Also called: IMMUNODEFICIENCY, MICROCEPHALY, AND CHROMOSOMAL INSTABILITY; SEEMANOVA SYNDROME II; Nijmegen breakage syndrome; Microcephaly with normal intelligence immunodeficiency and lymphoreticular malignancies; Nonsyndromal microcephaly autosomal recessive with normal intelligence; Seemanova syndrome 2. Identifiers: Orphanet 647, MedGen C0398791, MONDO:0009623, OMIM 251260.
Malignant tumor of breast. Also called: Cancer breast; Malignant breast neoplasm. Identifiers: MedGen C0006142, MONDO:0007254. Disease mechanism: loss of function.

Allele frequency attached by ClinVar (database versions not stated): TOPMed below 0.00001; gnomAD 0.00001; gnomAD exomes 0.00001 and 0.00002; ExAC 0.00003; ESP Exome Variant Server 0.00008.

Submissions (8):

Labcorp Genetics (formerly Invitae), Labcorp
Classification: Uncertain significance for Microcephaly, normal intelligence and immunodeficiency. Last evaluated: 2026-01-27. Review status: criteria provided, single submitter. Criteria: Invitae Variant Classification Sherloc (09022015). Collection method: clinical testing. Allele origin: germline.
Comment: This sequence change replaces leucine, which is neutral and non-polar, with valine, which is neutral and non-polar, at codon 489 of the NBN protein (p.Leu489Val). This variant is present in population databases (rs143948240, gnomAD 0.03%). This missense change has been observed in individual(s) with colorectal cancer (PMID: 28135145). ClinVar contains an entry for this variant (Variation ID: 184816). An algorithm developed to predict the effect of missense changes on protein structure and function outputs the following: PolyPhen-2: "Benign". The valine amino acid residue is found in multiple mammalian species, which suggests that this missense change does not adversely affect protein function. In summary, the available evidence is currently insufficient to determine the role of this variant in disease. Therefore, it has been classified as a Variant of Uncertain Significance.

Institute for Biomarker Research, Medical Diagnostic Laboratories, L.L.C.
Classification: Uncertain significance for Hereditary cancer-predisposing syndrome. Last evaluated: 2023-09-05. Review status: criteria provided, single submitter. Criteria: ACMG Guidelines, 2015. Collection method: clinical testing. Allele origin: germline.

Baylor Genetics
Classification: Uncertain significance for Aplastic anemia. Last evaluated: 2023-07-16. Review status: criteria provided, single submitter. Criteria: ACMG Guidelines, 2015. Collection method: clinical testing. Allele origin: unknown.

Genome-Nilou Lab
Classification: Likely benign for Microcephaly, normal intelligence and immunodeficiency. Last evaluated: 2021-11-07. Review status: criteria provided, single submitter. Criteria: ACMG Guidelines, 2015. Collection method: clinical testing. Allele origin: germline. Affected: no.

Sema4
Classification: Uncertain significance for Hereditary cancer-predisposing syndrome. Last evaluated: 2021-10-26. Review status: criteria provided, single submitter. Criteria: Sema4 Curation Guidelines. Collection method: curation. Allele origin: germline.
Comment: The NBN c.1465C>G (p.L489V) variant has been reported in at least one individual with colorectal cancer (PMID: 28135145). It was observed in 5/10066 chromosomes of the Ashkenazi Jewish subpopulation in the large and broad cohorts of the Genome Aggregation Database. The variant has been reported in ClinVar (Variation ID: 184816). Functional studies have not been performed, and in silico predictions of the variant's effect on protein function are inconclusive. The evidence is insufficient to meet ACMG/AMP criteria for classifying the variant as benign or pathogenic. Thus, the clinical significance of this variant is currently uncertain.

Ambry Genetics
Classification: Likely benign for Hereditary cancer-predisposing syndrome. Last evaluated: 2019-01-07. Review status: criteria provided, single submitter. Criteria: Ambry Variant Classification Scheme 2023. Collection method: clinical testing. Allele origin: germline.

Counsyl
Classification: Uncertain significance for Microcephaly, normal intelligence and immunodeficiency. Last evaluated: 2018-04-25. Review status: no assertion criteria provided. Collection method: clinical testing. Allele origin: unknown. Not counted in ClinVar's aggregate classification.

Department of Pathology and Laboratory Medicine, Sinai Health System
Classification: Uncertain significance for Malignant tumor of breast. Review status: no assertion criteria provided. Collection method: clinical testing. Allele origin: unknown. Affected: yes. Study: The Canadian Open Genetics Repository (COGR). Not counted in ClinVar's aggregate classification.
Comment: The NBN p.Leu489Val variant was identified in 1 of 2116 proband chromosomes (frequency: 0.0005) from individuals or families with colorectal cancer (Yurgelun 2017). The variant was also identified in dbSNP (ID: rs143948240) as "With other allele", ClinVar (classified as likely benign by Ambry Genetics; as uncertain significance by Invitae, Color, and Counsyl). The variant was not identified in LOVD 3.0 database. The variant was identified in 3 of 245400 chromosomes at a frequency of 0.00001 (Genome Aggregation Database Feb 27, 2017). It was observed in the Ashkenazi Jewish population in 3 of 9836 chromosomes (freq: 0.0003), but not in the African, Other, Latino, European, East Asian, European Finnish, or South Asian populations. The p.Leu489 residue is conserved in mammals but not in more distantly related organisms however four out of five computational analyses (PolyPhen-2, SIFT, AlignGVGD, BLOSUM, MutationTaster) do not suggest a high likelihood of impact to the protein; this information is not predictive enough to rule out pathogenicity. The variant occurs outside of the splicing consensus sequence and in silico or computational prediction software programs (SpliceSiteFinder, MaxEntScan, NNSPLICE, GeneSplicer) do not predict a difference in splicing. In summary, based on the above information the clinical significance of this variant cannot be determined with certainty at this time. This variant is classified as a variant of uncertain significance.

Literature cited by the submitters: PubMed 28135145 (cited by Labcorp Genetics (formerly Invitae), Labcorp and Sema4).